The following is an entry in ClinVar:

ClinVar aggregate classification (germline): Uncertain significance (1 of 4 stars; one submission).

Submission:

CeGaT Center for Human Genetics Tuebingen
Classification: Uncertain significance. Last evaluated: 2026-01-01. Review status: criteria provided, single submitter. Criteria: CeGaT Center For Human Genetics Tuebingen Variant Classification Criteria Version 2. Collection method: clinical testing. Allele origin: germline. Affected: yes. Observed: 1 variant allele.
Comment: COL6A1: PM2, PVS1:Supporting

NM_001848.3(COL6A1):c.3G>A (p.Met1Ile)

Gene: COL6A1 (collagen type VI alpha 1 chain; plus strand). Cytogenetic location: 21q22.3.
Variant type: single nucleotide variant.
Coding change: c.3G>A on transcript NM_001848.3 (MANE Select); coding-DNA position 3, G replaced by A.
Protein change: p.Met1Ile; changes the start codon (methionine 1).
Molecular consequence: missense variant, initiator codon variant.
Genome position (GRCh38, 1-based): chr21:45,981,853, G>A. VCF-style: chr21-45981853-G-A. GRCh37 (hg19) VCF-style: chr21-47401767-G-A.
Other names: short protein forms M1I.
Identifiers: ClinVar variation 4823095 (VCV004823095.4).